The following is an entry in ClinVar:

NM_001363540.2(DOCK4):c.2169T>C (p.Thr723=)

Genes: DOCK4 (dedicator of cytokinesis 4; minus strand), LOC126860153 (BRD4-independent group 4 enhancer GRCh37_chr7:111507301-111508500; plus strand). Cytogenetic location: 7q31.1.
Variant type: single nucleotide variant.
Coding change: c.2169T>C on transcript NM_001363540.2 (MANE Select); coding-DNA position 2169, T replaced by C.
Protein change: p.Thr723=; no amino-acid change (threonine 723 retained).
Molecular consequence: synonymous variant.
Genome position (GRCh38, 1-based): chr7:111,868,095, A>G on the plus strand (T>C on the coding strand, the complement: DOCK4 is on the minus strand). VCF-style: chr7-111868095-A-G. GRCh37 (hg19) VCF-style: chr7-111508151-A-G.
Other names: c.2169T>C, p.Thr723= (NM_014705.4).
Identifiers: ClinVar variation 5041335 (VCV005041335.1).

ClinVar aggregate classification (germline): Likely benign (1 of 4 stars; one submission).

gnomAD v4.1: 1 of 1,613,550 alleles (0.000062%); highest among the groups gnomAD compares: South Asian, 0.0011%; no homozygotes.

Submission:

CeGaT Center for Human Genetics Tuebingen
Classification: Likely benign. Last evaluated: 2026-09-01. Review status: criteria provided, single submitter. Criteria: CeGaT Center For Human Genetics Tuebingen Variant Classification Criteria Version 2. Collection method: clinical testing. Allele origin: germline. Affected: yes. Observed: 1 variant allele.
Comment: DOCK4: BP4, BP7